The following is an entry in ClinVar:

NM_001375.3(DNASE2):c.102G>C (p.Lys34Asn)

Genes: DNASE2 (deoxyribonuclease 2, lysosomal; minus strand), LOC117125588 (CRISPRi-FlowFISH-validated KLF1 regulatory element 1; plus strand). Cytogenetic location: 19p13.13.
Variant type: single nucleotide variant.
Coding change: c.102G>C on transcript NM_001375.3 (MANE Select); coding-DNA position 102, G replaced by C.
Protein change: p.Lys34Asn; replaces lysine 34 with asparagine.
Molecular consequence: missense variant.
Genome position (GRCh38, 1-based): chr19:12,881,137, C>G on the plus strand (G>C on the coding strand, the complement: DNASE2 is on the minus strand). VCF-style: chr19-12881137-C-G. GRCh37 (hg19) VCF-style: chr19-12991951-C-G.
Other names: short protein forms K34N.
Identifiers: ClinVar variation 2086760 (VCV002086760.4), dbSNP rs967254187, ClinGen allele CA404303824.

ClinVar aggregate classification (germline): Uncertain significance (1 of 4 stars; one submission).

Submission:

Labcorp Genetics (formerly Invitae), Labcorp
Classification: Uncertain significance. Last evaluated: 2022-01-28. Review status: criteria provided, single submitter. Criteria: Invitae Variant Classification Sherloc (09022015). Collection method: clinical testing. Allele origin: germline.
Comment: In summary, the available evidence is currently insufficient to determine the role of this variant in disease. Therefore, it has been classified as a Variant of Uncertain Significance. Algorithms developed to predict the effect of missense changes on protein structure and function (SIFT, PolyPhen-2, Align-GVGD) all suggest that this variant is likely to be disruptive. This variant has not been reported in the literature in individuals affected with DNASE2-related conditions. This variant is not present in population databases (gnomAD no frequency). This sequence change replaces lysine, which is basic and polar, with asparagine, which is neutral and polar, at codon 34 of the DNASE2 protein (p.Lys34Asn).